The following is an entry in ClinVar:

NM_000089.4(COL1A2):c.2053G>T (p.Gly685Cys)

Gene: COL1A2 (collagen type I alpha 2 chain; plus strand). Cytogenetic location: 7q21.3.
Variant type: single nucleotide variant.
Coding change: c.2053G>T on transcript NM_000089.4 (MANE Select); coding-DNA position 2053, G replaced by T.
Protein change: p.Gly685Cys; replaces glycine 685 with cysteine.
Molecular consequence: missense variant.
Genome position (GRCh38, 1-based): chr7:94,419,525, G>T. VCF-style: chr7-94419525-G-T. GRCh37 (hg19) VCF-style: chr7-94048837-G-T.
Other names: short protein forms G685C.
Identifiers: ClinVar variation 2953269 (VCV002953269.3), dbSNP rs2484724027, ClinGen allele CA368223148.

ClinVar aggregate classification (germline): Likely pathogenic (1 of 4 stars; one submission).

Conditions:
Osteogenesis imperfecta type I (OI1). Also called: Lobstein disease; OI, TYPE I; OSTEOGENESIS IMPERFECTA TARDA; OSTEOGENESIS IMPERFECTA WITH BLUE SCLERAE; Osteogenesis imperfecta type 1; Lobstein's Disease. Identifiers: Orphanet 216796, Orphanet 666, MedGen C0023931, MONDO:0008146, OMIM 166200. Disease mechanism: loss of function.
Ehlers-Danlos syndrome, classic type, 1 (EDSCL1). Also called: EDS I; EHLERS-DANLOS SYNDROME, GRAVIS TYPE; EHLERS-DANLOS SYNDROME, SEVERE CLASSIC TYPE; Ehlers-Danlos syndrome, type 1; Ehlers-Danlos Syndrome, Classic Type, COL5A1-Related. Identifiers: MedGen C0268335, MONDO:0019567, OMIM 130000.

Submission:

Labcorp Genetics (formerly Invitae), Labcorp
Classification: Likely pathogenic for Osteogenesis imperfecta type I; Ehlers-Danlos syndrome, classic type, 1. Last evaluated: 2023-10-24. Review status: criteria provided, single submitter. Criteria: Invitae Variant Classification Sherloc (09022015). Collection method: clinical testing. Allele origin: germline.
Comment: This sequence change replaces glycine, which is neutral and non-polar, with cysteine, which is neutral and slightly polar, at codon 685 of the COL1A2 protein (p.Gly685Cys). This variant is not present in population databases (gnomAD no frequency). This variant has not been reported in the literature in individuals affected with COL1A2-related conditions. Advanced modeling of protein sequence and biophysical properties (such as structural, functional, and spatial information, amino acid conservation, physicochemical variation, residue mobility, and thermodynamic stability) performed at Invitae indicates that this missense variant is expected to disrupt COL1A2 protein function with a positive predictive value of 95%. This variant disrupts the triple helix domain of COL1A2. Glycine residues within the Gly-Xaa-Yaa repeats of the triple helix domain are required for the structure and stability of fibrillar collagens (PMID: 7695699, 8218237, 19344236). In COL1A2, variants affecting these glycine residues are significantly enriched in individuals with disease (PMID: 9016532, 17078022) compared to the general population (ExAC). In summary, the currently available evidence indicates that the variant is pathogenic, but additional data are needed to prove that conclusively. Therefore, this variant has been classified as Likely Pathogenic.

Literature cited by the submitters: PubMed 7695699; PubMed 8218237; PubMed 19344236; PubMed 9016532; PubMed 17078022.